The following is an entry in ClinVar:

ClinVar aggregate classification (germline): Uncertain significance (1 of 4 stars; one submission).

Conditions:
Spastic paraplegia. Identifiers: MedGen C0037772, HP:0001258.

Submission:

Labcorp Genetics (formerly Invitae), Labcorp
Classification: Uncertain significance for Spastic paraplegia. Last evaluated: 2024-09-05. Review status: criteria provided, single submitter. Criteria: Invitae Variant Classification Sherloc (09022015). Collection method: clinical testing. Allele origin: germline.
Comment: This sequence change replaces glutamine, which is neutral and polar, with arginine, which is basic and polar, at codon 1089 of the ZFYVE26 protein (p.Gln1089Arg). This variant is not present in population databases (gnomAD no frequency). This variant has not been reported in the literature in individuals affected with ZFYVE26-related conditions. ClinVar contains an entry for this variant (Variation ID: 458281). An algorithm developed to predict the effect of missense changes on protein structure and function (PolyPhen-2) suggests that this variant is likely to be disruptive. In summary, the available evidence is currently insufficient to determine the role of this variant in disease. Therefore, it has been classified as a Variant of Uncertain Significance.

NM_015346.4(ZFYVE26):c.3266A>G (p.Gln1089Arg)

Gene: ZFYVE26 (zinc finger FYVE-type containing 26; minus strand). Cytogenetic location: 14q24.1.
Variant type: single nucleotide variant.
Coding change: c.3266A>G on transcript NM_015346.4 (MANE Select); coding-DNA position 3266, A replaced by G.
Protein change: p.Gln1089Arg; replaces glutamine 1089 with arginine.
Molecular consequence: missense variant.
Genome position (GRCh38, 1-based): chr14:67,785,896, T>C on the plus strand (A>G on the coding strand, the complement: ZFYVE26 is on the minus strand). VCF-style: chr14-67785896-T-C. GRCh37 (hg19) VCF-style: chr14-68252613-T-C.
Other names: short protein forms Q1089R.
Identifiers: ClinVar variation 458281 (VCV000458281.8), dbSNP rs1555397555, ClinGen allele CA390172622.
Genomic context (GRCh38, chr14:67,785,896, plus strand): 5'-TCCCAAGCAGACAGCCTTATACCTGGCAGCTCTAGTGCCTCTCTCAGTGACTGAAGGACC[T>C]GATCTAGCTGCTGGGAGAGGGTGGTGTGGCTGGCAACACAGTCCTCGCTTAGGCTGGGCC-3'
Protein context (NP_056161.2, residues 1079-1099): SHTTLSQQLD[Gln1089Arg]VLQSLREALE